The following is an entry in ClinVar:

NM_018418.5(SPATA7):c.1571A>G (p.His524Arg)

Gene: SPATA7 (spermatogenesis associated 7; plus strand). Cytogenetic location: 14q31.3.
Variant type: single nucleotide variant.
Coding change: c.1571A>G on transcript NM_018418.5 (MANE Select); coding-DNA position 1571, A replaced by G.
Protein change: p.His524Arg; replaces histidine 524 with arginine.
Molecular consequence: missense variant.
Genome position (GRCh38, 1-based): chr14:88,438,193, A>G. VCF-style: chr14-88438193-A-G. GRCh37 (hg19) VCF-style: chr14-88904537-A-G.
Other names: c.1475A>G, p.His492Arg (NM_001040428.4); short protein forms H492R, H524R.
Identifiers: ClinVar variation 1391030 (VCV001391030.3), dbSNP rs1180389700, ClinGen allele CA390573004.

ClinVar aggregate classification (germline): Uncertain significance (1 of 4 stars; one submission).

Conditions:
Leber congenital amaurosis 3 (LCA3). Also called: SPATA7-Related Retinitis Pigmentosa. Identifiers: MedGen C1858677, MONDO:0011415, OMIM 604232.

Allele frequency attached by ClinVar (database versions not stated): gnomAD exomes 0.00001; gnomAD 0.00003 and 0.00004.
gnomAD v4.1: 30 of 1,613,776 alleles (0.0019%); highest among the groups gnomAD compares: Non-Finnish European, 0.0025%; no homozygotes.

Submission:

Labcorp Genetics (formerly Invitae), Labcorp
Classification: Uncertain significance for Leber congenital amaurosis 3. Last evaluated: 2021-09-30. Review status: criteria provided, single submitter. Criteria: Invitae Variant Classification Sherloc (09022015). Collection method: clinical testing. Allele origin: germline.
Comment: This sequence change replaces histidine with arginine at codon 524 of the SPATA7 protein (p.His524Arg). The histidine residue is weakly conserved and there is a small physicochemical difference between histidine and arginine. This variant is not present in population databases (ExAC no frequency). This variant has not been reported in the literature in individuals affected with SPATA7-related conditions. Algorithms developed to predict the effect of missense changes on protein structure and function are either unavailable or do not agree on the potential impact of this missense change (SIFT: "Deleterious"; PolyPhen-2: "Benign"; Align-GVGD: "Class C0"). In summary, the available evidence is currently insufficient to determine the role of this variant in disease. Therefore, it has been classified as a Variant of Uncertain Significance.